The following is an entry in ClinVar:

NM_007194.4(CHEK2):c.134C>G (p.Thr45Arg)

Gene: CHEK2 (checkpoint kinase 2; minus strand). Cytogenetic location: 22q12.1.
Variant type: single nucleotide variant.
Coding change: c.134C>G on transcript NM_007194.4 (MANE Select); coding-DNA position 134, C replaced by G.
Protein change: p.Thr45Arg; replaces threonine 45 with arginine.
Molecular consequence: missense variant.
Genome position (GRCh38, 1-based): chr22:28,734,588, G>C on the plus strand (C>G on the coding strand, the complement: CHEK2 is on the minus strand). VCF-style: chr22-28734588-G-C. GRCh37 (hg19) VCF-style: chr22-29130576-G-C.
Other names: c.134C>G, p.Thr45Arg (NM_001005735.3, NM_001349956.3, NM_145862.3); c.-644C>G (NM_001257387.3); short protein forms T45R.
Identifiers: ClinVar variation 818927 (VCV000818927.8), dbSNP rs558321010, ClinGen allele CA322998799.

ClinVar aggregate classification (germline): Uncertain significance. Review status: criteria provided, multiple submitters, no conflicts (2 of 4 stars). 3 submissions from 3 submitters: Uncertain significance (3). Last evaluated 2023-11-01.

Conditions:
CHEK2-related disorder.
Hereditary cancer-predisposing syndrome. Also called: Tumor predisposition; Hereditary neoplastic syndrome; Neoplastic Syndromes, Hereditary; Hereditary Cancer Syndrome. Identifiers: Orphanet 140162, MedGen C0027672, MeSH D009386, MONDO:0015356.
Familial cancer of breast. Also called: hereditary breast carcinoma; Hereditary breast cancer; BREAST CANCER, FAMILIAL. Identifiers: Orphanet 227535, MedGen C0346153, MONDO:0016419, OMIM 114480. Disease mechanism: loss of function.

Submissions (3):

Labcorp Genetics (formerly Invitae), Labcorp
Classification: Uncertain significance for Familial cancer of breast. Last evaluated: 2023-11-01. Review status: criteria provided, single submitter. Criteria: Invitae Variant Classification Sherloc (09022015). Collection method: clinical testing. Allele origin: germline.
Comment: This sequence change replaces threonine, which is neutral and polar, with arginine, which is basic and polar, at codon 45 of the CHEK2 protein (p.Thr45Arg). This variant is not present in population databases (gnomAD no frequency). This variant has not been reported in the literature in individuals affected with CHEK2-related conditions. ClinVar contains an entry for this variant (Variation ID: 818927). An algorithm developed to predict the effect of missense changes on protein structure and function (PolyPhen-2) suggests that this variant is likely to be disruptive. In summary, the available evidence is currently insufficient to determine the role of this variant in disease. Therefore, it has been classified as a Variant of Uncertain Significance.

PreventionGenetics, part of Exact Sciences
Classification: Uncertain significance for CHEK2-related condition. Last evaluated: 2023-02-20. Review status: criteria provided, single submitter. Criteria: ACMG Guidelines, 2015. Collection method: clinical testing. Allele origin: germline.
Comment: The CHEK2 c.134C>G variant is predicted to result in the amino acid substitution p.Thr45Arg. To our knowledge, this variant has not been reported in the literature or in a large population database, indicating this variant is rare. It is interpreted as uncertain significance in ClinVar. At this time, the clinical significance of this variant is uncertain due to the absence of conclusive functional and genetic evidence.

Ambry Genetics
Classification: Uncertain significance for Hereditary cancer-predisposing syndrome. Last evaluated: 2019-03-31. Review status: criteria provided, single submitter. Criteria: Ambry Variant Classification Scheme 2023. Collection method: clinical testing. Allele origin: germline.
Comment: The p.T45R variant (also known as c.134C>G), located in coding exon 1 of the CHEK2 gene, results from a C to G substitution at nucleotide position 134. The threonine at codon 45 is replaced by arginine, an amino acid with similar properties. This amino acid position is well conserved in available vertebrate species. In addition, the in silico prediction for this alteration is inconclusive. Since supporting evidence is limited at this time, the clinical significance of this alteration remains unclear.